The following is an entry in ClinVar:

NM_198503.5(KCNT2):c.2266T>C (p.Leu756=)

Gene: KCNT2 (potassium sodium-activated channel subfamily T member 2; minus strand). Cytogenetic location: 1q31.3.
Variant type: single nucleotide variant.
Coding change: c.2266T>C on transcript NM_198503.5 (MANE Select); coding-DNA position 2266, T replaced by C.
Protein change: p.Leu756=; no amino-acid change (leucine 756 retained).
Molecular consequence: synonymous variant. On other transcripts: non-coding transcript variant (2).
Genome position (GRCh38, 1-based): chr1:196,326,727, A>G on the plus strand (T>C on the coding strand, the complement: KCNT2 is on the minus strand). VCF-style: chr1-196326727-A-G. GRCh37 (hg19) VCF-style: chr1-196295857-A-G.
Other names: c.2266T>C, p.Leu756= (NM_001287819.3); c.2116T>C, p.Leu706= (NM_001287820.3).
Identifiers: ClinVar variation 2570745 (VCV002570745.28), dbSNP rs115074661, ClinGen allele CA1304249.
Genomic context (GRCh38, chr1:196,326,727, plus strand): 5'-ATACTATTAAAAACAGTTTATCTTGTTTGTGTATCTTAAAATATACTTACGGGTTATCCA[A>G]TAGCAGTACTATGGGATTAAGTTCTTTCTTTGGTCTATAATATGCCCTGAGAGGAACAAT-3'
Protein context (NP_940905.2, residues 746-766): KKELNPIVLL[Leu756=]DNPPDMHFLD

ClinVar aggregate classification (germline): Likely benign. Review status: criteria provided, multiple submitters, no conflicts (2 of 4 stars). 2 submissions from 2 submitters: Likely benign (2). Last evaluated 2024-11-01.

Allele frequency attached by ClinVar (database versions not stated): gnomAD exomes 0.00031; ExAC 0.00133; gnomAD 0.00380; TOPMed 0.00417; 1000 Genomes Project 0.00439; ESP Exome Variant Server 0.00439; 1000 Genomes Project 30x 0.00547.
gnomAD v4.1: 997 of 1,522,204 alleles (0.065%); highest among the groups gnomAD compares: African/African-American, 1.4%; 5 homozygotes.

Submissions (2):

CeGaT Center for Human Genetics Tuebingen
Classification: Likely benign. Last evaluated: 2024-11-01. Review status: criteria provided, single submitter. Criteria: CeGaT Center For Human Genetics Tuebingen Variant Classification Criteria Version 2. Collection method: clinical testing. Allele origin: germline. Affected: yes. Observed: 4 variant alleles.
Comment: KCNT2: BP4, BS1

Blueprint Genetics
Classification: Likely benign. Last evaluated: 2024-09-18. Review status: criteria provided, single submitter. Criteria: ACMG Guidelines, 2015. Collection method: clinical testing. Allele origin: germline.